The following is an entry in ClinVar:

NM_144988.4(ALG14):c.389T>A (p.Phe130Tyr)

Gene: ALG14 (ALG14 UDP-N-acetylglucosaminyltransferase subunit; minus strand). Cytogenetic location: 1p21.3.
Variant type: single nucleotide variant.
Coding change: c.389T>A on transcript NM_144988.4 (MANE Select); coding-DNA position 389, T replaced by A.
Protein change: p.Phe130Tyr; replaces phenylalanine 130 with tyrosine.
Molecular consequence: missense variant. On other transcripts: synonymous variant (1), non-coding transcript variant (1).
Genome position (GRCh38, 1-based): chr1:95,027,160, A>T on the plus strand (T>A on the coding strand, the complement: ALG14 is on the minus strand). VCF-style: chr1-95027160-A-T. GRCh37 (hg19) VCF-style: chr1-95492716-A-T.
Other names: c.426T>A, p.Leu142= (NM_001305242.2); short protein forms F130Y.
Identifiers: ClinVar variation 475363 (VCV000475363.6), dbSNP rs150452802, ClinGen allele CA961804.

ClinVar aggregate classification (germline): Uncertain significance (1 of 4 stars; one submission).

Conditions:
Congenital myasthenic syndrome 15. Also called: Myasthenic syndrome, congenital, 15, without tubular aggregates. Identifiers: Orphanet 353327, Orphanet 590, MedGen C4015596, MONDO:0014542, OMIM 616227.

Allele frequency attached by ClinVar (database versions not stated): TOPMed below 0.00001; ExAC 0.00001; gnomAD exomes 0.00001; gnomAD 0.00003; ESP Exome Variant Server 0.00008.
gnomAD v4.1: 7 of 1,614,010 alleles (0.00043%); highest among the groups gnomAD compares: African/African-American, 0.008%; no homozygotes.

Submission:

Labcorp Genetics (formerly Invitae), Labcorp
Classification: Uncertain significance for Congenital myasthenic syndrome 15. Last evaluated: 2021-08-28. Review status: criteria provided, single submitter. Criteria: Invitae Variant Classification Sherloc (09022015). Collection method: clinical testing. Allele origin: germline.
Comment: This sequence change replaces phenylalanine with tyrosine at codon 130 of the ALG14 protein (p.Phe130Tyr). The phenylalanine residue is weakly conserved and there is a small physicochemical difference between phenylalanine and tyrosine. This variant is present in population databases (rs150452802, ExAC 0.01%). This variant has not been reported in the literature in individuals affected with ALG14-related conditions. Algorithms developed to predict the effect of missense changes on protein structure and function are either unavailable or do not agree on the potential impact of this missense change (SIFT: "Tolerated"; PolyPhen-2: "Possibly Damaging"; Align-GVGD: "Class C0"). In summary, the available evidence is currently insufficient to determine the role of this variant in disease. Therefore, it has been classified as a Variant of Uncertain Significance.